The following is an entry in ClinVar:

NM_001267550.2(TTN):c.70890_70891del (p.Pro23631fs)

Genes: TTN (titin; minus strand), TTN-AS1 (TTN antisense RNA 1; plus strand). Cytogenetic location: 2q31.2.
Variant type: Deletion.
Coding change: c.70890_70891del on transcript NM_001267550.2 (MANE Select); coding-DNA positions 70890 to 70891, 2 bases deleted (TC; older notation c.70890_70891delTC).
Protein change: p.Pro23631fs; shifts the reading frame from proline 23631.
Molecular consequence: frameshift variant.
Genome position (GRCh38, 1-based): chr2:178,575,241-178,575,242, GA deleted on the plus strand (TC on the coding strand, the reverse complement: TTN is on the minus strand). VCF-style (leftmost placement, unchanged base first): chr2-178575240-GGA-G. GRCh37 (hg19) VCF-style: chr2-179439967-GGA-G.
Other names: c.65967_65968del, p.Pro21990fs (NM_001256850.1); c.43695_43696del, p.Pro14566fs (NM_003319.4); c.63186_63187del, p.Pro21063fs (NM_133378.4); c.44070_44071del, p.Pro14691fs (NM_133432.3); c.44271_44272del, p.Pro14758fs (NM_133437.4); c.43695_43696delTC (NM_003319.4); short protein forms P23631fs, P14691fs, P21990fs, P14758fs, P21063fs, P14566fs.
Identifiers: ClinVar variation 1740062 (VCV001740062.3), dbSNP rs2468666500, ClinGen allele CA2580064876.

ClinVar aggregate classification (germline): Likely pathogenic (1 of 4 stars; one submission).

Conditions:
Cardiovascular phenotype. Identifiers: MedGen CN230736.

Submission:

Ambry Genetics
Classification: Likely pathogenic for Cardiovascular phenotype. Last evaluated: 2026-04-17. Review status: criteria provided, single submitter. Criteria: Ambry Variant Classification Scheme 2023. Collection method: clinical testing. Allele origin: germline.
Comment: The c.43695_43696delTC variant, located in coding exon 153 of the TTN gene, results from a deletion of two nucleotides at nucleotide positions 43695 to 43696, causing a translational frameshift with a predicted alternate stop codon (p.P14566Rfs*18). This exon is located in the A-band region of the N2-B isoform of the titin protein and is constitutively expressed in TTN transcripts (percent spliced in or PSI 100%). This variant was not reported in population-based cohorts in the Genome Aggregation Database (gnomAD). This variant is expected to result in loss of function by premature protein truncation or nonsense-mediated mRNA decay. While truncating variants in TTN are present in 1-3% of the general population, truncating variants in the A-band are the most common cause of dilated cardiomyopathy (Herman DS et al. N. Engl. J. Med., 2012 Feb;366:619-28; Roberts AM et al. Sci Transl Med, 2015 Jan;7:270ra6). TTN truncating variants encoded in constitutive exons (PSI >90%) have been found to be significantly associated with DCM regardless of their position in titin (Schafer S et al. Nat. Genet., 2017 01;49:46-53; Akhtar MM et al. Circ Heart Fail, 2020 Oct;13:e006832; Massier M et al. Clin Genet, 2025 Jan). As such, this alteration is classified as likely pathogenic.